The following is an entry in ClinVar:

NM_002430.3(MN1):c.1627C>T (p.Gln543Ter)

Gene: MN1 (MN1 proto-oncogene, transcriptional regulator; minus strand). Cytogenetic location: 22q12.1.
Variant type: single nucleotide variant.
Coding change: c.1627C>T on transcript NM_002430.3 (MANE Select); coding-DNA position 1627, C replaced by T.
Protein change: p.Gln543Ter; replaces glutamine 543 with a stop codon.
Molecular consequence: nonsense.
Genome position (GRCh38, 1-based): chr22:27,798,917, G>A on the plus strand (C>T on the coding strand, the complement: MN1 is on the minus strand). VCF-style: chr22-27798917-G-A. GRCh37 (hg19) VCF-style: chr22-28194905-G-A.
Other names: short protein forms Q543*.
Identifiers: ClinVar variation 3179664 (VCV003179664.1), dbSNP rs1278300199, ClinGen allele CA411047787.

ClinVar aggregate classification (germline): Pathogenic (1 of 4 stars; one submission).

Conditions:
Inborn genetic diseases. Identifiers: MedGen C0950123, MeSH D030342.

Submission:

Ambry Genetics
Classification: Pathogenic for Inborn genetic diseases. Last evaluated: 2024-03-01. Review status: criteria provided, single submitter. Criteria: Ambry Variant Classification Scheme 2023. Collection method: clinical testing. Allele origin: germline.
Comment: The c.1627C>T (p.Q543*) alteration, located in exon 1 (coding exon 1) of the MN1 gene, consists of a C to T substitution at nucleotide position 1627. This changes the amino acid from a glutamine (Q) to a stop codon at amino acid position 543. This alteration is expected to result in loss of function by premature protein truncation or nonsense-mediated mRNA decay. _x000D_ _x000D_ for MN1-related craniofacial anomaly syndrome; however, its clinical significance for MN1 C-terminal truncation syndrome is uncertain. The MN1 c.1627C>T alteration was flagged as a low confidence call in the Genome Aggregation Database (gnomAD). Based on the available evidence, this alteration is classified as pathogenic.